The following is an entry in ClinVar:

ClinVar aggregate classification (germline): Uncertain significance. Review status: criteria provided, multiple submitters, no conflicts (2 of 4 stars). 2 submissions from 2 submitters: Uncertain significance (2). Last evaluated 2024-05-23.

Submissions (2):

GeneDx
Classification: Uncertain significance. Last evaluated: 2024-05-23. Review status: criteria provided, single submitter. Criteria: GeneDx Variant Classification Process June 2021. Collection method: clinical testing. Allele origin: germline. Affected: yes.
Comment: Not observed at significant frequency in large population cohorts (gnomAD); In silico analysis supports that this missense variant has a deleterious effect on protein structure/function; Has not been previously published as pathogenic or benign to our knowledge

Ambry Genetics
Classification: Uncertain significance. Last evaluated: 2021-08-23. Review status: criteria provided, single submitter. Criteria: Ambry Variant Classification Scheme 2023. Collection method: clinical testing. Allele origin: germline.

NM_003047.5(SLC9A1):c.635G>T (p.Cys212Phe)

Gene: SLC9A1 (solute carrier family 9 member A1; minus strand). Cytogenetic location: 1p36.11.
Variant type: single nucleotide variant.
Coding change: c.635G>T on transcript NM_003047.5 (MANE Select); coding-DNA position 635, G replaced by T.
Protein change: p.Cys212Phe; replaces cysteine 212 with phenylalanine.
Molecular consequence: missense variant.
Genome position (GRCh38, 1-based): chr1:27,114,004, C>A on the plus strand (G>T on the coding strand, the complement: SLC9A1 is on the minus strand). VCF-style: chr1-27114004-C-A. GRCh37 (hg19) VCF-style: chr1-27440495-C-A.
Other names: c.635G>T (NM_003047.4); short protein forms C212F.
Identifiers: ClinVar variation 2246913 (VCV002246913.3), dbSNP rs2523151526, ClinGen allele CA339189805.
Genomic context (GRCh38, chr1:27,114,004, plus strand): 5'-CTGCCGAAGAGCAGGTTGTCCAGGAGGCCGATGTTGTTGATCTGCTCACCGCCCACCAGG[C>A]ACACGGCGTACATGAGGCCGCCCAGGAAGAAGGCGTTCCACAGCGTGCCCACCACGGCAA-3'
Protein context (NP_003038.2, residues 202-222): FFLGGLMYAV[Cys212Phe]LVGGEQINNI